The following is an entry in ClinVar:

ClinVar aggregate classification (germline): Benign. Review status: criteria provided, multiple submitters, no conflicts (2 of 4 stars). 3 submissions from 3 submitters: Benign (2). 1 of the submissions does not count toward it. Last evaluated 2018-07-31.

Conditions:
NOX1-related disorder. Also called: NOX1-related condition.

Allele frequency attached by ClinVar (database versions not stated): gnomAD exomes 0.00096 and 0.00268; ExAC 0.00339; 1000 Genomes Project 30x 0.00562; 1000 Genomes Project 0.00609; gnomAD 0.00903 and 0.00979; TOPMed 0.01074; ESP Exome Variant Server 0.01259.
gnomAD v4.1: 2,076 of 1,209,990 alleles (0.17%); highest among the groups gnomAD compares: African/African-American, 3.1%; 28 homozygotes.

Submissions (3):

Labcorp Genetics (formerly Invitae), Labcorp
Classification: Benign. Last evaluated: 2018-07-31. Review status: criteria provided, single submitter. Criteria: Invitae Variant Classification Sherloc (09022015). Collection method: clinical testing. Allele origin: germline.

Breakthrough Genomics
Classification: Benign. Review status: criteria provided, single submitter. Criteria: ACMG Guidelines, 2015. Collection method: not provided. Allele origin: germline. Inheritance: Unknown mechanism. Affected: yes.

PreventionGenetics, part of Exact Sciences
Classification: Benign for NOX1-related condition. Last evaluated: 2019-05-02. Review status: no assertion criteria provided. Collection method: clinical testing. Allele origin: germline. Not counted in ClinVar's aggregate classification.
Comment: This variant is classified as benign based on ACMG/AMP sequence variant interpretation guidelines (Richards et al. 2015 PMID: 25741868, with internal and published modifications).

NM_007052.5(NOX1):c.765C>T (p.Ser255=)

Gene: NOX1 (NADPH oxidase 1; minus strand). Cytogenetic location: Xq22.1.
Variant type: single nucleotide variant.
Coding change: c.765C>T on transcript NM_007052.5 (MANE Select); coding-DNA position 765, C replaced by T.
Protein change: p.Ser255=; no amino-acid change (serine 255 retained).
Molecular consequence: synonymous variant.
Genome position (GRCh38, 1-based): chrX:100,862,210, G>A on the plus strand (C>T on the coding strand, the complement: NOX1 is on the minus strand). VCF-style: chrX-100862210-G-A. GRCh37 (hg19) VCF-style: chrX-100117199-G-A.
Other names: c.654C>T, p.Ser218= (NM_001271815.2); c.765C>T, p.Ser255= (NM_013955.3).
Identifiers: ClinVar variation 720642 (VCV000720642.6), dbSNP rs36092450, ClinGen allele CA10470592.